The following is an entry in ClinVar:

NM_001130009.3(GEN1):c.2171C>T (p.Pro724Leu)

Gene: GEN1 (GEN1 structure-specific endonuclease; plus strand). Cytogenetic location: 2p24.2.
Variant type: single nucleotide variant.
Coding change: c.2171C>T on transcript NM_001130009.3 (MANE Select); coding-DNA position 2171, C replaced by T.
Protein change: p.Pro724Leu; replaces proline 724 with leucine.
Molecular consequence: missense variant.
Genome position (GRCh38, 1-based): chr2:17,781,383, C>T. VCF-style: chr2-17781383-C-T. GRCh37 (hg19) VCF-style: chr2-17962650-C-T.
Other names: c.2171C>T, p.Pro724Leu (NM_182625.5); c.2171C>T (NM_001130009.1); short protein forms P724L.
Identifiers: ClinVar variation 2974641 (VCV002974641.4), dbSNP rs776963202, ClinGen allele CA1540911.

ClinVar aggregate classification (germline): Conflicting classifications of pathogenicity. Review status: criteria provided, conflicting classifications (1 of 4 stars). 2 submissions from 2 submitters: Uncertain significance (1); Likely benign (1). Last evaluated 2026-06-09.

Allele frequency attached by ClinVar (database versions not stated): ExAC 0.00001; gnomAD 0.00001.
gnomAD v4.1: 4 of 1,613,716 alleles (0.00025%); no homozygotes.

Submissions (2):

Ambry Genetics
Classification: Likely benign. Last evaluated: 2026-06-09. Review status: criteria provided, single submitter. Criteria: Ambry Variant Classification Scheme 2023. Collection method: clinical testing. Allele origin: germline.

Labcorp Genetics (formerly Invitae), Labcorp
Classification: Uncertain significance. Last evaluated: 2023-12-22. Review status: criteria provided, single submitter. Criteria: Invitae Variant Classification Sherloc (09022015). Collection method: clinical testing. Allele origin: germline.
Comment: This sequence change replaces proline, which is neutral and non-polar, with leucine, which is neutral and non-polar, at codon 724 of the GEN1 protein (p.Pro724Leu). This variant is present in population databases (rs776963202, gnomAD 0.004%). This variant has not been reported in the literature in individuals affected with GEN1-related conditions. Algorithms developed to predict the effect of missense changes on protein structure and function output the following: SIFT: "Not Available"; PolyPhen-2: "Benign"; Align-GVGD: "Not Available". The leucine amino acid residue is found in multiple mammalian species, which suggests that this missense change does not adversely affect protein function. In summary, the available evidence is currently insufficient to determine the role of this variant in disease. Therefore, it has been classified as a Variant of Uncertain Significance.